The following is an entry in ClinVar:

ClinVar aggregate classification (germline): Uncertain significance (1 of 4 stars; one submission).

Conditions:
Combined immunodeficiency due to STIM1 deficiency. Also called: STIM1 DEFICIENCY; IMMUNODEFICIENCY 10. Identifiers: Orphanet 169090, Orphanet 317430, MedGen C2748557, MONDO:0013008, OMIM 612783.
Stormorken syndrome (STRMK). Also called: THROMBOCYTOPATHY, ASPLENIA, AND MIOSIS. Identifiers: Orphanet 3204, MedGen C1861451, MONDO:0008497, OMIM 185070.
Myopathy with tubular aggregates (TAM). Also called: Tubular Aggregate Myopathy. Identifiers: Orphanet 2593, MedGen C0410207, MONDO:0008051.

Submission:

Labcorp Genetics (formerly Invitae), Labcorp
Classification: Uncertain significance for Myopathy with tubular aggregates; Combined immunodeficiency due to STIM1 deficiency; Stormorken syndrome. Last evaluated: 2025-10-04. Review status: criteria provided, single submitter. Criteria: Invitae Variant Classification Sherloc (09022015). Collection method: clinical testing. Allele origin: germline.
Comment: This sequence change replaces methionine, which is neutral and non-polar, with threonine, which is neutral and polar, at codon 241 of the STIM1 protein (p.Met241Thr). This variant is not present in population databases (gnomAD no frequency). This variant has not been reported in the literature in individuals affected with STIM1-related conditions. ClinVar contains an entry for this variant (Variation ID: 1394340). Invitae Evidence Modeling of protein sequence and biophysical properties (such as structural, functional, and spatial information, amino acid conservation, physicochemical variation, residue mobility, and thermodynamic stability) has been performed for this missense variant. However, the output from this modeling did not meet the statistical confidence thresholds required to predict the impact of this variant on STIM1 protein function. In summary, the available evidence is currently insufficient to determine the role of this variant in disease. Therefore, it has been classified as a Variant of Uncertain Significance.

NM_001382567.1(STIM1):c.722T>C (p.Met241Thr)

Gene: STIM1 (stromal interaction molecule 1; plus strand). Cytogenetic location: 11p15.4.
Variant type: single nucleotide variant.
Coding change: c.722T>C on transcript NM_001382567.1 (MANE Select); coding-DNA position 722, T replaced by C.
Protein change: p.Met241Thr; replaces methionine 241 with threonine.
Molecular consequence: missense variant. On other transcripts: non-coding transcript variant (2).
Genome position (GRCh38, 1-based): chr11:4,070,134, T>C. VCF-style: chr11-4070134-T-C. GRCh37 (hg19) VCF-style: chr11-4091364-T-C.
Other names: c.722T>C, p.Met241Thr (NM_001277961.3, NM_001277962.2, NM_001382568.1 and 2 more transcripts); c.500T>C, p.Met167Thr (NM_001382566.1, NM_001382573.1, NM_001382574.1 and 5 more transcripts); c.587T>C, p.Met196Thr (NM_001382569.1); c.494T>C, p.Met165Thr (NM_001382570.1); c.242T>C, p.Met81Thr (NM_001382571.1); c.233T>C, p.Met78Thr (NM_001382580.1, NM_001382581.1); short protein forms M165T, M167T, M196T, M78T, M81T, M241T.
Identifiers: ClinVar variation 1394340 (VCV001394340.6), dbSNP rs1057013806, ClinGen allele CA216525103.
Genomic context (GRCh38, chr11:4,070,134, plus strand): 5'-TTATTGGTGTGGGCGGCTGCTGGTTTGCCTATATCCAGAACCGTTACTCCAAGGAGCACA[T>C]GAAGAAGATGATGAAGGACTTGGAGGGGTTACACCGAGCTGAGCAGAGTCTGCATGACCT-3'
Protein context (NP_001369496.1, residues 231-251): YIQNRYSKEH[Met241Thr]KKMMKDLEGL